The following is an entry in ClinVar:

NM_001012339.3(DNAJC21):c.1004C>A (p.Ser335Ter)

Gene: DNAJC21 (DnaJ heat shock protein family (Hsp40) member C21; plus strand). Cytogenetic location: 5p13.2.
Variant type: single nucleotide variant.
Coding change: c.1004C>A on transcript NM_001012339.3 (MANE Select); coding-DNA position 1004, C replaced by A.
Protein change: p.Ser335Ter; replaces serine 335 with a stop codon.
Molecular consequence: nonsense.
Genome position (GRCh38, 1-based): chr5:34,944,887, C>A. VCF-style: chr5-34944887-C-A. GRCh37 (hg19) VCF-style: chr5-34944992-C-A.
Other names: c.1004C>A, p.Ser335Ter (NM_001348420.2, NM_194283.4); short protein forms S335*.
Identifiers: ClinVar variation 1705479 (VCV001705479.1), dbSNP rs2480631479, ClinGen allele CA359418198.

ClinVar aggregate classification (germline): Likely pathogenic (1 of 4 stars; one submission).

Conditions:
Bone marrow failure syndrome 3 (BMFS3). Identifiers: MedGen C4310744, MONDO:0014887, OMIM 617052.

Submission:

3billion
Classification: Likely pathogenic for Bone marrow failure syndrome 3. Last evaluated: 2022-09-01. Review status: criteria provided, single submitter. Criteria: ACMG Guidelines, 2015. Collection method: clinical testing. Allele origin: germline. Affected: yes. Observed: 1 heterozygote.
Comment: The variant is not observed in the gnomAD v2.1.1 dataset. Stop-gained (nonsense) is predicted to result in a loss or disruption of normal protein function through nonsense-mediated decay (NMD) or protein truncation. Multiple pathogenic variants are reported downstream of the variant. Therefore, this variant is classified as Likely pathogenic according to the recommendation of ACMG/AMP guideline.